The following is an entry in ClinVar:

NM_015978.3(TNNI3K):c.2352-8T>G

Genes: FPGT-TNNI3K (FPGT-TNNI3K readthrough; plus strand), TNNI3K (TNNI3 interacting kinase; plus strand). Cytogenetic location: 1p31.1.
Variant type: single nucleotide variant.
Coding change: c.2352-8T>G on transcript NM_015978.3 (MANE Select); 8 bases into the intron before coding-DNA position 2352, T replaced by G.
Molecular consequence: intron variant.
Genome position (GRCh38, 1-based): chr1:74,540,226, T>G. VCF-style: chr1-74540226-T-G. GRCh37 (hg19) VCF-style: chr1-75005910-T-G.
Other names: c.2655-8T>G (NM_001112808.3).
Identifiers: ClinVar variation 1947239 (VCV001947239.5), dbSNP rs199822187, ClinGen allele CA909875.
Genomic context (GRCh38, chr1:74,540,226, plus strand): 5'-TTCTGTGTTTATAAAAATGTTATTATCAGATCACCATACTGTGAAACTGTGTTTTATTAA[T>G]TTTCCAGTGCTGGACAATATTCCTCTCAAGGTCTGTCTTTGGAGGAGATGAAAAGAAGTC-3'

ClinVar aggregate classification (germline): Uncertain significance (1 of 4 stars; one submission).

Allele frequency attached by ClinVar (database versions not stated): ExAC 0.00001; gnomAD 0.00001; gnomAD exomes 0.00001; TOPMed 0.00002.
gnomAD v4.1: 11 of 1,610,366 alleles (0.00068%); highest among the groups gnomAD compares: Non-Finnish European, 0.00093%; no homozygotes.

Submission:

Labcorp Genetics (formerly Invitae), Labcorp
Classification: Uncertain significance. Last evaluated: 2024-10-18. Review status: criteria provided, single submitter. Criteria: Invitae Variant Classification Sherloc (09022015). Collection method: clinical testing. Allele origin: germline.
Comment: This sequence change falls in intron 23 of the TNNI3K gene. It does not directly change the encoded amino acid sequence of the TNNI3K protein. This variant is not present in population databases (gnomAD no frequency). This variant has not been reported in the literature in individuals affected with TNNI3K-related conditions. ClinVar contains an entry for this variant (Variation ID: 1947239). Algorithms developed to predict the effect of sequence changes on RNA splicing suggest that this variant may disrupt the consensus splice site. In summary, the available evidence is currently insufficient to determine the role of this variant in disease. Therefore, it has been classified as a Variant of Uncertain Significance.